The following is an entry in ClinVar:

NM_000135.4(FANCA):c.3050T>G (p.Ile1017Ser)

Gene: FANCA (FA complementation group A; minus strand). Cytogenetic location: 16q24.3.
Variant type: single nucleotide variant.
Coding change: c.3050T>G on transcript NM_000135.4 (MANE Select); coding-DNA position 3050, T replaced by G.
Protein change: p.Ile1017Ser; replaces isoleucine 1017 with serine.
Molecular consequence: missense variant.
Genome position (GRCh38, 1-based): chr16:89,752,154, A>C on the plus strand (T>G on the coding strand, the complement: FANCA is on the minus strand). VCF-style: chr16-89752154-A-C. GRCh37 (hg19) VCF-style: chr16-89818562-A-C.
Other names: c.3050T>G, p.Ile1017Ser (NM_001286167.3); short protein forms I1017S.
Identifiers: ClinVar variation 5036400 (VCV005036400.1).

ClinVar aggregate classification (germline): Uncertain significance (1 of 4 stars; one submission).

Conditions:
Inborn genetic diseases. Identifiers: MedGen C0950123, MeSH D030342.

Submission:

Ambry Genetics
Classification: Uncertain significance for Inborn genetic diseases. Last evaluated: 2026-08-08. Review status: criteria provided, single submitter. Criteria: Ambry Variant Classification Scheme 2023. Collection method: clinical testing. Allele origin: germline.
Comment: The p.I1017S variant (also known as c.3050T>G), located in coding exon 31 of the FANCA gene, results from a T to G substitution at nucleotide position 3050. The isoleucine at codon 1017 is replaced by serine, an amino acid with dissimilar properties. This amino acid position is conserved. In addition, this alteration is predicted to be deleterious by in silico analysis. Based on the available evidence, the clinical significance of this variant remains unclear.